The following is an entry in ClinVar:

NM_005236.3(ERCC4):c.454T>C (p.Phe152Leu)

Gene: ERCC4 (ERCC excision repair 4, endonuclease catalytic subunit; plus strand). Cytogenetic location: 16p13.12.
Variant type: single nucleotide variant.
Coding change: c.454T>C on transcript NM_005236.3 (MANE Select); coding-DNA position 454, T replaced by C.
Protein change: p.Phe152Leu; replaces phenylalanine 152 with leucine.
Molecular consequence: missense variant.
Genome position (GRCh38, 1-based): chr16:13,926,626, T>C. VCF-style: chr16-13926626-T-C. GRCh37 (hg19) VCF-style: chr16-14020483-T-C.
Other names: short protein forms F152L.
Identifiers: ClinVar variation 4782505 (VCV004782505.1).

ClinVar aggregate classification (germline): Uncertain significance (1 of 4 stars; one submission).

Conditions:
Xeroderma pigmentosum, group F (XPF). Also called: ERCC4-Related Xeroderma Pigmentosum; XERODERMA PIGMENTOSUM, COMPLEMENTATION GROUP F; XERODERMA PIGMENTOSUM, TYPE F; Xeroderma pigmentosum, type 6; XERODERMA PIGMENTOSUM VI; XP, GROUP F. Identifiers: MedGen C0268140, MONDO:0010215, OMIM 278760.
Cockayne syndrome. Identifiers: Orphanet 191, MedGen C0009207, MONDO:0016006.
Fanconi anemia complementation group Q. Identifiers: Orphanet 84, MedGen C3808988, MONDO:0014108, OMIM 615272.

gnomAD v4.1: 1 of 1,614,178 alleles (0.000062%); highest among the groups gnomAD compares: Non-Finnish European, 0.000085%; no homozygotes.

Submission:

Labcorp Genetics (formerly Invitae), Labcorp
Classification: Uncertain significance for Fanconi anemia complementation group Q; Xeroderma pigmentosum, group F; Cockayne syndrome. Last evaluated: 2026-01-19. Review status: criteria provided, single submitter. Criteria: Invitae Variant Classification Sherloc (09022015). Collection method: clinical testing. Allele origin: germline.
Comment: This sequence change replaces phenylalanine, which is neutral and non-polar, with leucine, which is neutral and non-polar, at codon 152 of the ERCC4 protein (p.Phe152Leu). This variant is present in population databases (rs752672749, gnomAD 0.002%). This variant has not been reported in the literature in individuals affected with ERCC4-related conditions. Invitae Evidence Modeling of protein sequence and biophysical properties (such as structural, functional, and spatial information, amino acid conservation, physicochemical variation, residue mobility, and thermodynamic stability) indicates that this missense variant is not expected to disrupt ERCC4 protein function with a negative predictive value of 80%. In summary, the available evidence is currently insufficient to determine the role of this variant in disease. Therefore, it has been classified as a Variant of Uncertain Significance.